The following is an entry in ClinVar:

ClinVar aggregate classification (germline): Likely benign. Review status: criteria provided, single submitter (1 of 4 stars). 2 submissions from 2 submitters: Likely benign (1). 1 of the submissions does not count toward it. Last evaluated 2023-09-30.

Conditions:
KMT2D-related disorder. Also called: KMT2D-Related Disorders.
Kabuki syndrome. Also called: NIIKAWA-KUROKI SYNDROME; Kabuki make-up syndrome. Identifiers: Orphanet 2322, MedGen C0796004, MONDO:0016512.

Allele frequency attached by ClinVar (database versions not stated): gnomAD exomes below 0.00001.
gnomAD v4.1: 1 of 1,558,868 alleles (0.000064%); highest among the groups gnomAD compares: Non-Finnish European, 0.000087%; no homozygotes.

Submissions (2):

Labcorp Genetics (formerly Invitae), Labcorp
Classification: Likely benign for Kabuki syndrome. Last evaluated: 2023-09-30. Review status: criteria provided, single submitter. Criteria: Invitae Variant Classification Sherloc (09022015). Collection method: clinical testing. Allele origin: germline.

PreventionGenetics, part of Exact Sciences
Classification: Likely benign for KMT2D-related condition. Last evaluated: 2023-04-11. Review status: no assertion criteria provided. Collection method: clinical testing. Allele origin: germline. Not counted in ClinVar's aggregate classification.
Comment: This variant is classified as likely benign based on ACMG/AMP sequence variant interpretation guidelines (Richards et al. 2015 PMID: 25741868, with internal and published modifications).

NM_003482.4(KMT2D):c.10848G>T (p.Val3616=)

Gene: KMT2D (lysine methyltransferase 2D; minus strand). Cytogenetic location: 12q13.12.
Variant type: single nucleotide variant.
Coding change: c.10848G>T on transcript NM_003482.4 (MANE Select); coding-DNA position 10848, G replaced by T.
Protein change: p.Val3616=; no amino-acid change (valine 3616 retained).
Molecular consequence: synonymous variant.
Genome position (GRCh38, 1-based): chr12:49,033,857, C>A on the plus strand (G>T on the coding strand, the complement: KMT2D is on the minus strand). VCF-style: chr12-49033857-C-A. GRCh37 (hg19) VCF-style: chr12-49427640-C-A.
Identifiers: ClinVar variation 2745561 (VCV002745561.5), dbSNP rs2120447937, ClinGen allele CA479709441.